The following is an entry in ClinVar:

ClinVar aggregate classification (germline): Benign/Likely benign. Review status: criteria provided, multiple submitters, no conflicts (2 of 4 stars). 3 submissions from 3 submitters: Benign (2); Likely benign (1). Last evaluated 2025-01-06.

Allele frequency attached by ClinVar (database versions not stated): gnomAD exomes 0.00006; ExAC 0.00015; 1000 Genomes Project 30x 0.00016; 1000 Genomes Project 0.00020; gnomAD 0.00044; TOPMed 0.00047; ESP Exome Variant Server 0.00069.
gnomAD v4.1: 160 of 1,613,092 alleles (0.0099%); highest among the groups gnomAD compares: African/African-American, 0.14%; no homozygotes.

Submissions (3):

Labcorp Genetics (formerly Invitae), Labcorp
Classification: Benign. Last evaluated: 2025-01-06. Review status: criteria provided, single submitter. Criteria: Invitae Variant Classification Sherloc (09022015). Collection method: clinical testing. Allele origin: germline.

Blueprint Genetics
Classification: Likely benign. Last evaluated: 2024-11-06. Review status: criteria provided, single submitter. Criteria: ACMG Guidelines, 2015. Collection method: clinical testing. Allele origin: germline.

CeGaT Center for Human Genetics Tuebingen
Classification: Benign. Last evaluated: 2022-07-01. Review status: criteria provided, single submitter. Criteria: CeGaT Center For Human Genetics Tuebingen Variant Classification Criteria Version 2. Collection method: clinical testing. Allele origin: germline. Affected: yes. Observed: 1 variant allele.
Comment: MACF1: BS1, BS2

NM_001394062.1(MACF1):c.18675T>C (p.Ala6225=)

Gene: MACF1 (microtubule actin crosslinking factor 1; plus strand). Cytogenetic location: 1p34.3.
Variant type: single nucleotide variant.
Coding change: c.18675T>C on transcript NM_001394062.1 (MANE Select); coding-DNA position 18675, T replaced by C.
Protein change: p.Ala6225=; no amino-acid change (alanine 6225 retained).
Molecular consequence: synonymous variant.
Genome position (GRCh38, 1-based): chr1:39,441,954, T>C. VCF-style: chr1-39441954-T-C. GRCh37 (hg19) VCF-style: chr1-39907626-T-C.
Other names: c.6753T>C, p.Ala2251= (NM_001397473.1); c.12498T>C, p.Ala4166= (NM_012090.5).
Identifiers: ClinVar variation 2137669 (VCV002137669.29), dbSNP rs112386326, ClinGen allele CA783948.
Genomic context (GRCh38, chr1:39,441,954, plus strand): 5'-TAATTCTCTCCCAAATTCTTCTGGTTGTTTTTGACTGTTTACTTGTCTTTTGTTCTAGGC[T>C]ATGTTTGACTGGCTAGATAACACTGTGATTAAACTCTGCACCATGCCCCCTGTTGGCACT-3'
Protein context (NP_001380991.1, residues 6215-6235): AAVQYQDTLQ[Ala6225=]MFDWLDNTVI